The following is an entry in ClinVar:

NM_001190737.2(NFIB):c.1118T>G (p.Ile373Ser)

Gene: NFIB (nuclear factor I B; minus strand). Cytogenetic location: 9p23.
Variant type: single nucleotide variant.
Coding change: c.1118T>G on transcript NM_001190737.2 (MANE Select); coding-DNA position 1118, T replaced by G.
Protein change: p.Ile373Ser; replaces isoleucine 373 with serine.
Molecular consequence: missense variant. On other transcripts: non-coding transcript variant (4).
Genome position (GRCh38, 1-based): chr9:14,120,567, A>C on the plus strand (T>G on the coding strand, the complement: NFIB is on the minus strand). VCF-style: chr9-14120567-A-C. GRCh37 (hg19) VCF-style: chr9-14120566-A-C.
Other names: c.1196T>G, p.Ile399Ser (NM_001190738.2); c.362T>G, p.Ile121Ser (NM_001282787.2); c.1184T>G, p.Ile395Ser (NM_001369458.1, NM_001369459.1, NM_001369462.1 and 1 more transcripts); c.1106T>G, p.Ile369Ser (NM_001369460.1, NM_001369463.1, NM_001369466.1 and 1 more transcripts); c.1118T>G, p.Ile373Ser (NM_001369461.1, NM_001369464.1, NM_005596.3); c.1091T>G, p.Ile364Ser (NM_001369465.1, NM_001369467.1, NM_001369476.1); c.974T>G, p.Ile325Ser (NM_001369469.1); c.881T>G, p.Ile294Ser (NM_001369470.1, NM_001369478.1); and 6 more; short protein forms I121S, I194S, I294S, I298S, I325S, I354S, I364S, I367S.
Identifiers: ClinVar variation 2501110 (VCV002501110.2), dbSNP rs2537829352, ClinGen allele CA373092050.

ClinVar aggregate classification (germline): Uncertain significance. Review status: criteria provided, multiple submitters, no conflicts (2 of 4 stars). 2 submissions from 2 submitters: Uncertain significance (2). Last evaluated 2024-05-01.

Submissions (2):

GeneDx
Classification: Uncertain significance. Last evaluated: 2024-05-01. Review status: criteria provided, single submitter. Criteria: GeneDx Variant Classification Process June 2021. Collection method: clinical testing. Allele origin: germline. Affected: yes.
Comment: Not observed at significant frequency in large population cohorts (gnomAD); In silico analysis supports that this missense variant has a deleterious effect on protein structure/function; Has not been previously published as pathogenic or benign to our knowledge

Women's Health and Genetics/Laboratory Corporation of America, LabCorp
Classification: Uncertain significance. Last evaluated: 2023-03-28. Review status: criteria provided, single submitter. Criteria: LabCorp Variant Classification Summary - May 2015. Collection method: clinical testing. Allele origin: germline.
Comment: Variant summary: NFIB c.1118T>G (p.Ile373Ser) results in a non-conservative amino acid change in the encoded protein sequence. Three of five in-silico tools predict a damaging effect of the variant on protein function. The variant was absent in 250712 control chromosomes (gnomAD). The available data on variant occurrences in the general population are insufficient to allow any conclusion about variant significance. To our knowledge, no occurrence of c.1118T>G in individuals affected with macrocephaly with impaired intellectual development and no experimental evidence demonstrating its impact on protein function have been reported. No clinical diagnostic laboratories have submitted clinical-significance assessments for this variant to ClinVar after 2014. Based on the evidence outlined above, the variant was classified as uncertain significance.